The following is an entry in ClinVar:

ClinVar aggregate classification (germline): Uncertain significance (1 of 4 stars; one submission).

Allele frequency attached by ClinVar (database versions not stated): TOPMed below 0.00001; gnomAD 0.00002.
gnomAD v4.1: 8 of 1,613,928 alleles (0.0005%); highest among the groups gnomAD compares: Non-Finnish European, 0.00068%; no homozygotes.

Submission:

Labcorp Genetics (formerly Invitae), Labcorp
Classification: Uncertain significance. Last evaluated: 2023-06-29. Review status: criteria provided, single submitter. Criteria: Invitae Variant Classification Sherloc (09022015). Collection method: clinical testing. Allele origin: germline.
Comment: This sequence change replaces arginine, which is basic and polar, with leucine, which is neutral and non-polar, at codon 658 of the PPP1R15B protein (p.Arg658Leu). This variant is present in population databases (no rsID available, gnomAD 0.0009%). This variant has not been reported in the literature in individuals affected with PPP1R15B-related conditions. ClinVar contains an entry for this variant (Variation ID: 2018668). Advanced modeling of protein sequence and biophysical properties (such as structural, functional, and spatial information, amino acid conservation, physicochemical variation, residue mobility, and thermodynamic stability) performed at Invitae indicates that this missense variant is expected to disrupt PPP1R15B protein function. In summary, the available evidence is currently insufficient to determine the role of this variant in disease. Therefore, it has been classified as a Variant of Uncertain Significance.

NM_032833.5(PPP1R15B):c.1973G>T (p.Arg658Leu)

Gene: PPP1R15B (protein phosphatase 1 regulatory subunit 15B; minus strand). Cytogenetic location: 1q32.1.
Variant type: single nucleotide variant.
Coding change: c.1973G>T on transcript NM_032833.5 (MANE Select); coding-DNA position 1973, G replaced by T.
Protein change: p.Arg658Leu; replaces arginine 658 with leucine.
Molecular consequence: missense variant.
Genome position (GRCh38, 1-based): chr1:204,406,261, C>A on the plus strand (G>T on the coding strand, the complement: PPP1R15B is on the minus strand). VCF-style: chr1-204406261-C-A. GRCh37 (hg19) VCF-style: chr1-204375389-C-A.
Other names: short protein forms R658L.
Identifiers: ClinVar variation 2018668 (VCV002018668.4), dbSNP rs759466766, ClinGen allele CA344348881.